The following is an entry in ClinVar:

ClinVar aggregate classification (germline): Pathogenic. Review status: criteria provided, multiple submitters, no conflicts (2 of 4 stars). 3 submissions from 3 submitters: Pathogenic (3). Last evaluated 2026-01-01.

Conditions:
Hereditary spastic paraplegia 4. Also called: Familial spastic paraplegia autosomal dominant 2; Spastic paraplegia 4, autosomal dominant; Spastic Paraplegia 4. Identifiers: Orphanet 100985, MedGen C1866855, MONDO:0008438, OMIM 182601.
Spastic paraplegia. Identifiers: MedGen C0037772, HP:0001258.

Submissions (3):

CeGaT Center for Human Genetics Tuebingen
Classification: Pathogenic. Last evaluated: 2026-01-01. Review status: criteria provided, single submitter. Criteria: CeGaT Center For Human Genetics Tuebingen Variant Classification Criteria Version 2. Collection method: clinical testing. Allele origin: germline. Affected: yes. Observed: 2 variant alleles.
Comment: SPAST: PVS1, PM2, PS4:Supporting

Labcorp Genetics (formerly Invitae), Labcorp
Classification: Pathogenic for Hereditary spastic paraplegia 4. Last evaluated: 2024-02-14. Review status: criteria provided, single submitter. Criteria: Invitae Variant Classification Sherloc (09022015). Collection method: clinical testing. Allele origin: germline.
Comment: This sequence change affects a donor splice site in intron 5 of the SPAST gene. It is expected to disrupt RNA splicing. Variants that disrupt the donor or acceptor splice site typically lead to a loss of protein function (PMID: 16199547), and loss-of-function variants in SPAST are known to be pathogenic (PMID: 20932283). This variant is not present in population databases (gnomAD no frequency). Disruption of this splice site has been observed in individual(s) with hereditary spastic paraplegia (PMID: 25341883). ClinVar contains an entry for this variant (Variation ID: 523508). Algorithms developed to predict the effect of sequence changes on RNA splicing suggest that this variant may disrupt the consensus splice site. This variant disrupts the c.870+1delG nucleotide in the SPAST gene. Other variant(s) that disrupt this nucleotide have been determined to be pathogenic (PMID: 23833562). This suggests that this nucleotide is clinically significant, and that variants that disrupt this position are likely to be disease-causing. For these reasons, this variant has been classified as Pathogenic.

Centre for Mendelian Genomics, University Medical Centre Ljubljana
Classification: Pathogenic for Spastic paraplegia. Last evaluated: 2017-01-01. Review status: criteria provided, single submitter. Criteria: ACMG Guidelines, 2015. Collection method: clinical testing. Allele origin: unknown. Affected: yes.

Literature cited by the submitters: PubMed 16199547 (cited by Labcorp Genetics (formerly Invitae), Labcorp); PubMed 20932283 (cited by Labcorp Genetics (formerly Invitae), Labcorp); PubMed 25341883 (cited by Labcorp Genetics (formerly Invitae), Labcorp); PubMed 23833562 (cited by Labcorp Genetics (formerly Invitae), Labcorp).

NM_014946.4(SPAST):c.870+1G>A

Gene: SPAST (spastin; plus strand). Cytogenetic location: 2p22.3.
Variant type: single nucleotide variant.
Coding change: c.870+1G>A on transcript NM_014946.4 (MANE Select); the canonical splice donor site of the intron after coding-DNA position 870, G replaced by A.
Molecular consequence: splice donor variant.
Genome position (GRCh38, 1-based): chr2:32,114,826, G>A. VCF-style: chr2-32114826-G-A. GRCh37 (hg19) VCF-style: chr2-32339895-G-A.
Other names: c.774+1G>A (NM_199436.2, NM_001377959.1); c.867+1G>A (NM_001363823.2); c.771+1G>A (NM_001363875.2).
Identifiers: ClinVar variation 523508 (VCV000523508.17), dbSNP rs1553314978, ClinGen allele CA346498942.
Genomic context (GRCh38, chr2:32,114,826, plus strand): 5'-GGTTTATCCATGGTTTCTGGAGTGAAACAGGGATCTGGTCCTGCTCCTACCACTCATAAG[G>A]TATTCTGGGACAGTAACTTTAATTGCTGTCTTTTTGCAAATAGAAAAATTTTTAAGATAC-3'